The following is an entry in ClinVar:

NM_000166.6(GJB1):c.842C>A (p.Ser281Ter)

Gene: GJB1 (gap junction protein beta 1; plus strand). Cytogenetic location: Xq13.1.
Variant type: single nucleotide variant.
Coding change: c.842C>A on transcript NM_000166.6 (MANE Select); coding-DNA position 842, C replaced by A.
Protein change: p.Ser281Ter; replaces serine 281 with a stop codon.
Molecular consequence: nonsense.
Genome position (GRCh38, 1-based): chrX:71,224,549, C>A. VCF-style: chrX-71224549-C-A. GRCh37 (hg19) VCF-style: chrX-70444399-C-A.
Other names: c.842C>A, p.Ser281Ter (NM_001097642.3); short protein forms S281*.
Identifiers: ClinVar variation 637203 (VCV000637203.5), dbSNP rs866253945, ClinGen allele CA413504477.

ClinVar aggregate classification (germline): Uncertain significance. Review status: criteria provided, single submitter (1 of 4 stars). 3 submissions from 3 submitters: Uncertain significance (1). 2 of the submissions do not count toward it. Last evaluated 2023-04-26.

Conditions:
Charcot-Marie-Tooth Neuropathy X. Identifiers: MedGen CN118851.
Charcot-Marie-Tooth disease X-linked dominant 1. Also called: Charcot-Marie-Tooth Neuropathy X Type 1; X-linked Charcot-Marie-Tooth disease type 1; GJB1 Disorders: Charcot-Marie-Tooth Neuropathy (CMT1X) and Central Nervous System Phenotypes; CHARCOT-MARIE-TOOTH NEUROPATHY, X-LINKED, 1; CHARCOT-MARIE-TOOTH PERONEAL MUSCULAR ATROPHY, X-LINKED; HEREDITARY MOTOR AND SENSORY NEUROPATHY, X-LINKED. Identifiers: Orphanet 101075, MedGen C0393808, MONDO:0010549, OMIM 302800.
Charcot-Marie-Tooth disease. Also called: Charcot-Marie-Tooth Hereditary Neuropathy; Charcot-Marie-Tooth Neuropathy. Identifiers: Orphanet 166, MedGen C0007959, MONDO:0015626.

Submissions (3):

Labcorp Genetics (formerly Invitae), Labcorp
Classification: Uncertain significance for Charcot-Marie-Tooth Neuropathy X. Last evaluated: 2023-04-26. Review status: criteria provided, single submitter. Criteria: Invitae Variant Classification Sherloc (09022015). Collection method: clinical testing. Allele origin: germline.
Comment: This sequence change creates a premature translational stop signal (p.Ser281*) in the GJB1 gene. While this is not anticipated to result in nonsense mediated decay, it is expected to disrupt the last 3 amino acid(s) of the GJB1 protein. This variant is not present in population databases (gnomAD no frequency). This premature translational stop signal has been observed in individual(s) with Charcot-Marie-Tooth disease (PMID: 8990008). ClinVar contains an entry for this variant (Variation ID: 637203). Experimental studies and prediction algorithms are not available or were not evaluated, and the functional significance of this variant is currently unknown. In summary, the available evidence is currently insufficient to determine the role of this variant in disease. Therefore, it has been classified as a Variant of Uncertain Significance.

Inherited Neuropathy Consortium Ii, University Of Miami
Classification: Uncertain significance for Charcot-Marie-Tooth disease X-linked dominant 1. Last evaluated: 2016-01-06. Review status: no assertion criteria provided. Collection method: literature only. Allele origin: germline. Affected: yes. Not counted in ClinVar's aggregate classification.

Inherited Neuropathy Consortium
Classification: Uncertain significance for Charcot-Marie-Tooth disease. Review status: no assertion criteria provided. Collection method: literature only. Allele origin: germline. Affected: yes. Not counted in ClinVar's aggregate classification.

Literature cited by the submitters: PubMed 8990008 (cited by 3 submitters).